The following is an entry in ClinVar:

ClinVar aggregate classification (germline): Uncertain significance (1 of 4 stars; one submission).

Conditions:
Rubinstein-Taybi syndrome due to EP300 haploinsufficiency. Also called: EP300-Related Rubinstein-Taybi Syndrome; RUBINSTEIN-TAYBI SYNDROME 2. Identifiers: Orphanet 353284, Orphanet 783, MedGen C3150941, MONDO:0013364, OMIM 613684.

Submission:

Labcorp Genetics (formerly Invitae), Labcorp
Classification: Uncertain significance for Rubinstein-Taybi syndrome due to EP300 haploinsufficiency. Last evaluated: 2023-02-10. Review status: criteria provided, single submitter. Criteria: Invitae Variant Classification Sherloc (09022015). Collection method: clinical testing. Allele origin: germline.
Comment: In summary, the available evidence is currently insufficient to determine the role of this variant in disease. Therefore, it has been classified as a Variant of Uncertain Significance. Advanced modeling of protein sequence and biophysical properties (such as structural, functional, and spatial information, amino acid conservation, physicochemical variation, residue mobility, and thermodynamic stability) performed at Invitae indicates that this missense variant is expected to disrupt EP300 protein function. This variant has not been reported in the literature in individuals affected with EP300-related conditions. This variant is not present in population databases (gnomAD no frequency). This sequence change replaces arginine, which is basic and polar, with proline, which is neutral and non-polar, at codon 1356 of the EP300 protein (p.Arg1356Pro).

NM_001429.4(EP300):c.4067G>C (p.Arg1356Pro)

Gene: EP300 (EP300 lysine acetyltransferase; plus strand). Cytogenetic location: 22q13.2.
Variant type: single nucleotide variant.
Coding change: c.4067G>C on transcript NM_001429.4 (MANE Select); coding-DNA position 4067, G replaced by C.
Protein change: p.Arg1356Pro; replaces arginine 1356 with proline.
Molecular consequence: missense variant.
Genome position (GRCh38, 1-based): chr22:41,168,762, G>C. VCF-style: chr22-41168762-G-C. GRCh37 (hg19) VCF-style: chr22-41564766-G-C.
Other names: c.3989G>C, p.Arg1330Pro (NM_001362843.2); short protein forms R1356P, R1330P.
Identifiers: ClinVar variation 2836073 (VCV002836073.3), dbSNP rs1303184977, ClinGen allele CA411699965.